The following is an entry in ClinVar:

ClinVar aggregate classification (germline): Uncertain significance (1 of 4 stars; one submission).

Conditions:
Congenital myasthenic syndrome 10. Also called: Myasthenia, limb-girdle, familial. Identifiers: Orphanet 590, MedGen C1850792, MONDO:0009690, OMIM 254300.
Fetal akinesia deformation sequence 1 (FADS1). Also called: Fetal akinesia sequence; Pena-Shokeir syndrome type I. Identifiers: Orphanet 994, MedGen C1276035, MONDO:0100101, OMIM 208150, HP:0001989.

Submission:

Labcorp Genetics (formerly Invitae), Labcorp
Classification: Uncertain significance for Congenital myasthenic syndrome 10; Fetal akinesia deformation sequence 1. Last evaluated: 2020-04-08. Review status: criteria provided, single submitter. Criteria: Invitae Variant Classification Sherloc (09022015). Collection method: clinical testing. Allele origin: germline.
Comment: This variant results in a copy number gain of the genomic region encompassing the full coding sequence of the DOK7 gene. The boundaries of this event are unknown as they extend beyond the assayed region for this gene and therefore may encompass additional genes. As the precise location of this event is unknown, it may be in tandem or it may be located elsewhere in the genome. This variant has not been reported in the literature in individuals with DOK7-related conditions. Experimental studies and prediction algorithms are not available or were not evaluated, and the functional significance of this variant is currently unknown. In summary, the available evidence is currently insufficient to determine the role of this variant in disease. Therefore, it has been classified as a Variant of Uncertain Significance.

NC_000004.11:g.(?_3465093)_(3495238_?)dup

Gene: DOK7 (docking protein 7; plus strand). Cytogenetic location: 4p16.3.
Variant type: Duplication.
Identifiers: ClinVar variation 1012052 (VCV001012052.1).